The following is an entry in ClinVar:

NM_194248.3(OTOF):c.4799+1G>C

Gene: OTOF (otoferlin; minus strand). Cytogenetic location: 2p23.3.
Variant type: single nucleotide variant.
Coding change: c.4799+1G>C on transcript NM_194248.3 (MANE Select); the canonical splice donor site of the intron after coding-DNA position 4799, G replaced by C.
Molecular consequence: splice donor variant.
Genome position (GRCh38, 1-based): chr2:26,465,671, C>G on the plus strand (G>C on the coding strand, the complement: OTOF is on the minus strand). VCF-style: chr2-26465671-C-G. GRCh37 (hg19) VCF-style: chr2-26688539-C-G.
Other names: c.4799+1G>C (NM_001287489.2); c.2498+1G>C (NM_194323.3, NM_004802.4); c.2729+1G>C (NM_194322.3).
Identifiers: ClinVar variation 2891889 (VCV002891889.3), dbSNP rs200147906, ClinGen allele CA1563042.
Genomic context (GRCh38, chr2:26,465,671, plus strand): 5'-ATTTTAGAGTGGAGGCAAAGCAGGCACACTGCCCCCGCCCTCTGCCCCATGCCCCACATA[C>G]GTGGAGTAGGTCTGGGCGATGCCGCAGGTGGCGCGGTGCTTGCTGTAGAAGCGGTTCTCC-3'

ClinVar aggregate classification (germline): Pathogenic (1 of 4 stars; one submission).

Allele frequency attached by ClinVar (database versions not stated): TOPMed 0.00001; ESP Exome Variant Server 0.00008.
gnomAD v4.1: 6 of 1,614,020 alleles (0.00037%); highest among the groups gnomAD compares: Admixed American, 0.0017%; no homozygotes.

Submission:

Labcorp Genetics (formerly Invitae), Labcorp
Classification: Pathogenic. Last evaluated: 2023-06-29. Review status: criteria provided, single submitter. Criteria: Invitae Variant Classification Sherloc (09022015). Collection method: clinical testing. Allele origin: germline.
Comment: Algorithms developed to predict the effect of sequence changes on RNA splicing suggest that this variant may disrupt the consensus splice site. This sequence change affects a donor splice site in intron 38 of the OTOF gene. It is expected to disrupt RNA splicing. Variants that disrupt the donor or acceptor splice site typically lead to a loss of protein function (PMID: 16199547), and loss-of-function variants in OTOF are known to be pathogenic (PMID: 18381613, 19250381, 22575033). This variant is present in population databases (rs200147906, gnomAD 0.003%). Disruption of this splice site has been observed in individuals with auditory neuropathy spectrum disorder (PMID: 32476384, 34424407). For these reasons, this variant has been classified as Pathogenic.

Literature cited by the submitters: PubMed 16199547; PubMed 18381613; PubMed 19250381; PubMed 22575033; PubMed 32476384; PubMed 34424407.